The following is an entry in ClinVar:

NM_001378454.1(ALMS1):c.2708C>G (p.Ala903Gly)

Gene: ALMS1 (ALMS1 centrosome and basal body associated protein; plus strand). Cytogenetic location: 2p13.1.
Variant type: single nucleotide variant.
Coding change: c.2708C>G on transcript NM_001378454.1 (MANE Select); coding-DNA position 2708, C replaced by G.
Protein change: p.Ala903Gly; replaces alanine 903 with glycine.
Molecular consequence: missense variant.
Genome position (GRCh38, 1-based): chr2:73,449,235, C>G. VCF-style: chr2-73449235-C-G. GRCh37 (hg19) VCF-style: chr2-73676362-C-G.
Other names: c.2711C>G, p.Ala904Gly (NM_015120.4); short protein forms A903G, A904G.
Identifiers: ClinVar variation 3352483 (VCV003352483.1).

ClinVar aggregate classification (germline): Uncertain significance (0 of 4 stars; one submission).

Conditions:
ALMS1-related disorder. Also called: ALMS1-related condition.

gnomAD v4.1: 2 of 1,613,904 alleles (0.00012%); highest among the groups gnomAD compares: Non-Finnish European, 0.00017%; no homozygotes.

Submission:

PreventionGenetics, part of Exact Sciences
Classification: Uncertain significance for ALMS1-related condition. Last evaluated: 2024-08-20. Review status: no assertion criteria provided. Collection method: clinical testing. Allele origin: germline.
Comment: The ALMS1 c.2711C>G variant is predicted to result in the amino acid substitution p.Ser904Cys. To our knowledge, this variant has not been reported in the literature. This variant is reported in 0.0018% of alleles in individuals of European (Non-Finnish) descent in gnomAD. At this time, the clinical significance of this variant is uncertain due to the absence of conclusive functional and genetic evidence.